The following is an entry in ClinVar:

NM_001367561.1(DOCK7):c.1438T>A (p.Leu480Ile)

Gene: DOCK7 (dedicator of cytokinesis 7; minus strand). Cytogenetic location: 1p31.3.
Variant type: single nucleotide variant.
Coding change: c.1438T>A on transcript NM_001367561.1 (MANE Select); coding-DNA position 1438, T replaced by A.
Protein change: p.Leu480Ile; replaces leucine 480 with isoleucine.
Molecular consequence: missense variant.
Genome position (GRCh38, 1-based): chr1:62,619,981, A>T on the plus strand (T>A on the coding strand, the complement: DOCK7 is on the minus strand). VCF-style: chr1-62619981-A-T. GRCh37 (hg19) VCF-style: chr1-63085652-A-T.
Other names: c.1438T>A, p.Leu480Ile (NM_033407.4, NM_001271999.2, NM_001272000.2 and 3 more transcripts); short protein forms L480I.
Identifiers: ClinVar variation 1464178 (VCV001464178.6), dbSNP rs2149588889, ClinGen allele CA340614820.

ClinVar aggregate classification (germline): Uncertain significance (1 of 4 stars; one submission).

Conditions:
Developmental and epileptic encephalopathy, 23 (DEE23). Also called: Epileptic encephalopathy, early infantile, 23. Identifiers: Orphanet 411986, MedGen C4014492, MONDO:0014371, OMIM 615859.

Submission:

Labcorp Genetics (formerly Invitae), Labcorp
Classification: Uncertain significance for Developmental and epileptic encephalopathy, 23. Last evaluated: 2024-10-23. Review status: criteria provided, single submitter. Criteria: Invitae Variant Classification Sherloc (09022015). Collection method: clinical testing. Allele origin: germline.
Comment: This sequence change replaces leucine, which is neutral and non-polar, with isoleucine, which is neutral and non-polar, at codon 480 of the DOCK7 protein (p.Leu480Ile). This variant is not present in population databases (gnomAD no frequency). This variant has not been reported in the literature in individuals affected with DOCK7-related conditions. ClinVar contains an entry for this variant (Variation ID: 1464178). Invitae Evidence Modeling of protein sequence and biophysical properties (such as structural, functional, and spatial information, amino acid conservation, physicochemical variation, residue mobility, and thermodynamic stability) has been performed for this missense variant. However, the output from this modeling did not meet the statistical confidence thresholds required to predict the impact of this variant on DOCK7 protein function. In summary, the available evidence is currently insufficient to determine the role of this variant in disease. Therefore, it has been classified as a Variant of Uncertain Significance.